The following is an entry in ClinVar:

ClinVar aggregate classification (germline): Pathogenic (1 of 4 stars; one submission).

Conditions:
Episodic ataxia type 1 (EA1). Also called: ATAXIA, EPISODIC, WITH MYOKYMIA; MYOKYMIA WITH PERIODIC ATAXIA; PAROXYSMAL ATAXIA WITH NEUROMYOTONIA, HEREDITARY; Episodic ataxia/myokymia syndrome. Identifiers: Orphanet 37612, Orphanet 972, MedGen C1719788, MONDO:0008047, OMIM 160120.

Submission:

Labcorp Genetics (formerly Invitae), Labcorp
Classification: Pathogenic for Episodic ataxia type 1. Last evaluated: 2024-01-29. Review status: criteria provided, single submitter. Criteria: Invitae Variant Classification Sherloc (09022015). Collection method: clinical testing. Allele origin: germline.
Comment: This sequence change replaces proline, which is neutral and non-polar, with serine, which is neutral and polar, at codon 403 of the KCNA1 protein (p.Pro403Ser). This variant is not present in population databases (gnomAD no frequency). This missense change has been observed in individual(s) with severe early onset epilepsy (PMID: 34778950). In at least one individual the variant was observed to be de novo. Advanced modeling of protein sequence and biophysical properties (such as structural, functional, and spatial information, amino acid conservation, physicochemical variation, residue mobility, and thermodynamic stability) performed at Invitae indicates that this missense variant is expected to disrupt KCNA1 protein function with a positive predictive value of 80%. Experimental studies have shown that this missense change affects KCNA1 function (PMID: 34778950). This variant disrupts the p.Pro403 amino acid residue in KCNA1. Other variant(s) that disrupt this residue have been determined to be pathogenic (PMID: 35897654). This suggests that this residue is clinically significant, and that variants that disrupt this residue are likely to be disease-causing. For these reasons, this variant has been classified as Pathogenic.

Literature cited by the submitters: PubMed 34778950; PubMed 35897654.

NM_000217.3(KCNA1):c.1207C>T (p.Pro403Ser)

Gene: KCNA1 (potassium voltage-gated channel subfamily A member 1; plus strand). Cytogenetic location: 12p13.32.
Variant type: single nucleotide variant.
Coding change: c.1207C>T on transcript NM_000217.3 (MANE Select); coding-DNA position 1207, C replaced by T.
Protein change: p.Pro403Ser; replaces proline 403 with serine.
Molecular consequence: missense variant.
Genome position (GRCh38, 1-based): chr12:4,912,585, C>T. VCF-style: chr12-4912585-C-T. GRCh37 (hg19) VCF-style: chr12-5021751-C-T.
Other names: short protein forms P403S.
Identifiers: ClinVar variation 2910304 (VCV002910304.3), dbSNP rs1591627924, ClinGen allele CA383456273.
Genomic context (GRCh38, chr12:4,912,585, plus strand): 5'-ATTGGAGGCAAGATCGTGGGCTCCTTGTGTGCCATCGCTGGTGTGCTAACAATTGCCCTG[C>T]CCGTACCTGTCATTGTGTCCAATTTCAACTATTTCTACCACCGAGAAACTGAGGGGGAAG-3'
Protein context (NP_000208.2, residues 393-413): AIAGVLTIAL[Pro403Ser]VPVIVSNFNY